The following is an entry in ClinVar:

NM_032043.3(BRIP1):c.1914_1915del (p.Asn638fs)

Gene: BRIP1 (BRCA1 interacting DNA helicase 1; minus strand). Cytogenetic location: 17q23.2.
Variant type: Deletion.
Coding change: c.1914_1915del on transcript NM_032043.3 (MANE Select); coding-DNA positions 1914 to 1915, 2 bases deleted (TC; older notation c.1914_1915delTC).
Protein change: p.Asn638fs; shifts the reading frame from asparagine 638.
Molecular consequence: frameshift variant.
Genome position (GRCh38, 1-based): chr17:61,780,281-61,780,282, GA deleted on the plus strand (TC on the coding strand, the reverse complement: BRIP1 is on the minus strand). VCF-style (leftmost placement, unchanged base first): chr17-61780280-TGA-T. GRCh37 (hg19) VCF-style: chr17-59857641-TGA-T.
Other names: short protein forms N638fs.
Identifiers: ClinVar variation 3390291 (VCV003390291.14).

ClinVar aggregate classification (germline): Pathogenic (1 of 4 stars; one submission).

Submission:

CeGaT Center for Human Genetics Tuebingen
Classification: Pathogenic. Last evaluated: 2024-10-01. Review status: criteria provided, single submitter. Criteria: CeGaT Center For Human Genetics Tuebingen Variant Classification Criteria Version 2. Collection method: clinical testing. Allele origin: germline. Affected: yes. Observed: 1 variant allele.
Comment: BRIP1: PVS1, PM2